The following is an entry in ClinVar:

ClinVar aggregate classification (germline): Uncertain significance (1 of 4 stars; one submission).

Submission:

GeneDx
Classification: Uncertain significance. Last evaluated: 2024-12-23. Review status: criteria provided, single submitter. Criteria: GeneDx Variant Classification Process June 2021. Collection method: clinical testing. Allele origin: germline. Affected: yes.
Comment: Nonsense variant predicted to result in protein truncation or nonsense mediated decay in a gene or region of a gene for which loss of function is not a well-established mechanism of disease; Has not been previously published as pathogenic or benign to our knowledge; Not observed at significant frequency in large population cohorts (gnomAD)

NM_006268.5(DPF2):c.96_97del (p.Cys32_Ala33insTer)

Gene: DPF2 (double PHD fingers 2; plus strand). Cytogenetic location: 11q13.1.
Variant type: Microsatellite.
Coding change: c.96_97del on transcript NM_006268.5 (MANE Select); coding-DNA positions 96 to 97, 2 bases deleted (TG; older notation c.96_97delTG).
Protein change: p.Cys32_Ala33insTer.
Molecular consequence: frameshift variant.
Genome position (GRCh38, 1-based): chr11:65,340,448-65,340,449, TG deleted; deleting any 2 consecutive bases within chr11:65,340,446-65,340,449 gives the same sequence; the c. name uses the placement nearest the transcript's 3' end. VCF-style (leftmost placement, unchanged base first): chr11-65340445-CTG-C. GRCh37 (hg19) VCF-style: chr11-65107916-CTG-C.
Other names: c.96_97del, p.Cys32_Ala33insTer (NM_001330308.2).
Identifiers: ClinVar variation 3906537 (VCV003906537.1).
Genomic context (GRCh38, chr11:65,340,445, plus strand): 5'-CCTTGGGGAGCAGTACTACAAAGATGCCATGGAGCAGTGCCACAATTACAATGCTCGCCT[CTG>C]TGCTGAGCGCAGCGTGCGCCTGCCTTTCTTGGACTCACAGACCGGAGTAGCCCAGAGCAA-3'